The following is an entry in ClinVar:

NM_018062.4(FANCL):c.845A>G (p.Gln282Arg)

Gene: FANCL (FA complementation group L; minus strand). Cytogenetic location: 2p16.1.
Variant type: single nucleotide variant.
Coding change: c.845A>G on transcript NM_018062.4 (MANE Select); coding-DNA position 845, A replaced by G.
Protein change: p.Gln282Arg; replaces glutamine 282 with arginine.
Molecular consequence: missense variant.
Genome position (GRCh38, 1-based): chr2:58,162,924, T>C on the plus strand (A>G on the coding strand, the complement: FANCL is on the minus strand). VCF-style: chr2-58162924-T-C. GRCh37 (hg19) VCF-style: chr2-58390059-T-C.
Other names: c.860A>G, p.Gln287Arg (NM_001114636.2); c.890A>G, p.Gln297Arg (NM_001374615.1); c.905A>G, p.Gln302Arg (NM_001410792.1); short protein forms Q287R, Q282R, Q297R, Q302R.
Identifiers: ClinVar variation 1406505 (VCV001406505.9), dbSNP rs2104794990, ClinGen allele CA346935295.

ClinVar aggregate classification (germline): Uncertain significance. Review status: criteria provided, multiple submitters, no conflicts (2 of 4 stars). 2 submissions from 2 submitters: Uncertain significance (2). Last evaluated 2021-11-08.

Conditions:
Fanconi anemia complementation group L (FANCL). Also called: FANCL-Related Fanconi Anemia. Identifiers: Orphanet 84, MedGen C3469528, MONDO:0013566, OMIM 614083.
Fanconi anemia (FA). Also called: Fanconi's anemia. Identifiers: Orphanet 84, MedGen C0015625, MeSH D005199, MONDO:0019391.

Submissions (2):

Fulgent Genetics
Classification: Uncertain significance for Fanconi anemia complementation group L. Last evaluated: 2021-11-08. Review status: criteria provided, single submitter. Criteria: ACMG Guidelines, 2015. Collection method: clinical testing. Allele origin: unknown.

Labcorp Genetics (formerly Invitae), Labcorp
Classification: Uncertain significance for Fanconi anemia. Last evaluated: 2021-06-24. Review status: criteria provided, single submitter. Criteria: Invitae Variant Classification Sherloc (09022015). Collection method: clinical testing. Allele origin: germline.
Comment: This variant has not been reported in the literature in individuals with FANCL-related conditions. This variant is not present in population databases (ExAC no frequency). This sequence change replaces glutamine with arginine at codon 282 of the FANCL protein (p.Gln282Arg). The glutamine residue is highly conserved and there is a small physicochemical difference between glutamine and arginine. Algorithms developed to predict the effect of missense changes on protein structure and function are either unavailable or do not agree on the potential impact of this missense change (SIFT: "Tolerated"; PolyPhen-2: "Possibly Damaging"; Align-GVGD: "Class C0"). In summary, the available evidence is currently insufficient to determine the role of this variant in disease. Therefore, it has been classified as a Variant of Uncertain Significance.